The following is an entry in ClinVar:

ClinVar aggregate classification (germline): Uncertain significance (1 of 4 stars; one submission).

Submission:

Labcorp Genetics (formerly Invitae), Labcorp
Classification: Uncertain significance. Last evaluated: 2022-11-15. Review status: criteria provided, single submitter. Criteria: Invitae Variant Classification Sherloc (09022015). Collection method: clinical testing. Allele origin: germline.
Comment: In summary, the available evidence is currently insufficient to determine the role of this variant in disease. Therefore, it has been classified as a Variant of Uncertain Significance. Algorithms developed to predict the effect of missense changes on protein structure and function are either unavailable or do not agree on the potential impact of this missense change (SIFT: "Deleterious"; PolyPhen-2: "Benign"; Align-GVGD: "Class C0"). This variant has not been reported in the literature in individuals affected with ALPK3-related conditions. This variant is not present in population databases (gnomAD no frequency). This sequence change replaces arginine, which is basic and polar, with leucine, which is neutral and non-polar, at codon 40 of the ALPK3 protein (p.Arg40Leu).

NC_000015.10:g.84816965G>T

Gene: ALPK3 (alpha kinase 3; plus strand). Cytogenetic location: 15q25.3.
Variant type: single nucleotide variant.
Genome position: GRCh38 VCF-style: chr15-84816965-G-T. GRCh37 (hg19) VCF-style: chr15-85360196-G-T.
Identifiers: ClinVar variation 2814382 (VCV002814382.3), dbSNP rs1471878056, ClinGen allele CA393368195.